The following is an entry in ClinVar:

ClinVar aggregate classification (germline): Likely pathogenic (1 of 4 stars; one submission).

Allele frequency attached by ClinVar (database versions not stated): gnomAD exomes below 0.00001; TOPMed below 0.00001 and 0.00001; gnomAD 0.00001 and 0.00003.
gnomAD v4.1: 3 of 1,614,070 alleles (0.00019%); highest among the groups gnomAD compares: Admixed American, 0.0017%; no homozygotes.

Submission:

GeneDx
Classification: Likely pathogenic. Last evaluated: 2015-03-31. Review status: criteria provided, single submitter. Criteria: GeneDx Variant Classification (06012015). Collection method: clinical testing. Allele origin: germline. Affected: yes.
Comment: The R759W substitution in the INSR gene has not been published as a pathogenic variant, nor has it been reported as abenign polymorphism to our knowledge. The R759W variant was not observed in approximately 6,500individuals of European and African American ancestry in the NHLBI Exome Sequencing Project,indicating it is not a common benign variant in these populations. The R759W variant is a non-conservativeamino acid substitution which is likely to impact secondary protein structure, as these residues differ inpolarity, charge, size and/or other properties. This substitution occurs at a position that is conserved acrossspecies. In silico analyses predict that this variant is probably damaging to the protein structure/function. Amissense variant in a nearby residue (R762S) has been reported in association with insulin-resistantdiabetes (Yoshimasa et al., 1988), supporting the functional importance of this region of the protein. TheR759W variant is a strong candidate for a pathogenic variant; however, the possibility that it may bea rare benign variant cannot be excluded.

NM_000208.4(INSR):c.2275C>T (p.Arg759Trp)

Gene: INSR (insulin receptor; minus strand). Cytogenetic location: 19p13.2.
Variant type: single nucleotide variant.
Coding change: c.2275C>T on transcript NM_000208.4 (MANE Select); coding-DNA position 2275, C replaced by T.
Protein change: p.Arg759Trp; replaces arginine 759 with tryptophan.
Molecular consequence: missense variant.
Genome position (GRCh38, 1-based): chr19:7,143,083, G>A on the plus strand (C>T on the coding strand, the complement: INSR is on the minus strand). VCF-style: chr19-7143083-G-A. GRCh37 (hg19) VCF-style: chr19-7143094-G-A.
Other names: c.2239C>T, p.Arg747Trp (NM_001079817.3); short protein forms R759W, R747W.
Identifiers: ClinVar variation 418737 (VCV000418737.2), dbSNP rs752552480, ClinGen allele CA16620911.
Genomic context (GRCh38, chr19:7,143,083, plus strand): 5'-CTGCCACCGTGGGCACGGCCACCGTCACATTCCCAACATCGCCAAGGGACCTGCGTTTCC[G>A]AGATGGCCTGGAACGACAGTAGGACATGTATGATGACACCATCACCATCATTTTTTTTAA-3'
Protein context (NP_000199.2, residues 749-769): GTGAEDPRPS[Arg759Trp]KRRSLGDVGN